The following is an entry in ClinVar:

NM_016532.4(INPP5K):c.152+8T>A

Gene: INPP5K (inositol polyphosphate-5-phosphatase K; minus strand). Cytogenetic location: 17p13.3.
Variant type: single nucleotide variant.
Coding change: c.152+8T>A on transcript NM_016532.4 (MANE Select); 8 bases into the intron after coding-DNA position 152, T replaced by A.
Molecular consequence: intron variant.
Genome position (GRCh38, 1-based): chr17:1,513,864, A>T on the plus strand (T>A on the coding strand, the complement: INPP5K is on the minus strand). VCF-style: chr17-1513864-A-T. GRCh37 (hg19) VCF-style: chr17-1417158-A-T.
Other names: NC_000017.10:g.1417158A>T; c.-77+8T>A (NM_130766.3, NM_001135642.2).
Identifiers: ClinVar variation 716779 (VCV000716779.30), dbSNP rs146917975, ClinGen allele CA8268704.

ClinVar aggregate classification (germline): Benign/Likely benign. Review status: criteria provided, multiple submitters, no conflicts (2 of 4 stars). 3 submissions from 3 submitters: Benign (1); Likely benign (1). 1 of the submissions does not count toward it. Last evaluated 2026-01-01.

Conditions:
INPP5K-related disorder. Also called: INPP5K-related condition.

Allele frequency attached by ClinVar (database versions not stated): TOPMed 0.00168; 1000 Genomes Project 30x 0.00203; 1000 Genomes Project 0.00240; ESP Exome Variant Server 0.00277; gnomAD exomes 0.00432 and 0.00634; gnomAD 0.00528 and 0.00544; ExAC 0.00582.
gnomAD v4.1: 6,962 of 1,600,962 alleles (0.43%); highest among the groups gnomAD compares: Non-Finnish European, 0.32%; 71 homozygotes.

Submissions (4):

CeGaT Center for Human Genetics Tuebingen
Classification: Likely benign. Last evaluated: 2026-01-01. Review status: criteria provided, single submitter. Criteria: CeGaT Center For Human Genetics Tuebingen Variant Classification Criteria Version 2. Collection method: clinical testing. Allele origin: germline. Affected: yes. Observed: 6 variant alleles.
Comment: INPP5K: BP4

Labcorp Genetics (formerly Invitae), Labcorp
Classification: Benign. Last evaluated: 2019-12-31. Review status: criteria provided, single submitter. Criteria: Invitae Variant Classification Sherloc (09022015). Collection method: clinical testing. Allele origin: germline.

PreventionGenetics, part of Exact Sciences
Classification: Benign for INPP5K-related condition. Last evaluated: 2019-05-16. Review status: no assertion criteria provided. Collection method: clinical testing. Allele origin: germline. Not counted in ClinVar's aggregate classification.
Comment: This variant is classified as benign based on ACMG/AMP sequence variant interpretation guidelines (Richards et al. 2015 PMID: 25741868, with internal and published modifications).

Dr. Peter K. Rogan Lab, Western University
No classification provided (evidence only). Condition: Familial cancer of breast. Review status: no classification provided. Collection method: in vitro. Allele origin: not applicable. Functional consequence: retained intron. Not counted in ClinVar's aggregate classification.